The following is an entry in ClinVar:

NM_007294.4(BRCA1):c.3048T>G (p.Asn1016Lys)

Gene: BRCA1 (BRCA1 DNA repair associated; minus strand). Cytogenetic location: 17q21.31.
Variant type: single nucleotide variant.
Coding change: c.3048T>G on transcript NM_007294.4 (MANE Select); coding-DNA position 3048, T replaced by G.
Protein change: p.Asn1016Lys; replaces asparagine 1016 with lysine.
Molecular consequence: missense variant. On other transcripts: intron variant (137).
Genome position (GRCh38, 1-based): chr17:43,092,483, A>C on the plus strand (T>G on the coding strand, the complement: BRCA1 is on the minus strand). VCF-style: chr17-43092483-A-C. GRCh37 (hg19) VCF-style: chr17-41244500-A-C.
Other names: 3167T>G; c.2664T>G, p.Asn888Lys (NM_001407962.1); c.2667T>G, p.Asn889Lys (NM_001407963.1, NM_001407959.1, NM_001407960.1); c.2904T>G, p.Asn968Lys (NM_001407964.1, NM_001407838.1, NM_001407839.1 and 20 more transcripts); c.2544T>G, p.Asn848Lys (NM_001407965.1); c.2160T>G, p.Asn720Lys (NM_001407966.1, NM_001407967.1); c.2907T>G, p.Asn969Lys (NM_007297.4, NM_001407692.1, NM_001407694.1 and 29 more transcripts); c.3048T>G, p.Asn1016Lys (NM_007300.4, NM_001407581.1, NM_001407582.1 and 30 more transcripts); and 42 more; short protein forms N1016K, N969K, N720K, N905K, N949K, N975K, N989K, N990K.
Identifiers: ClinVar variation 252871 (VCV000252871.27), dbSNP rs879255482, ClinGen allele CA10586101.
Genomic context (GRCh38, chr17:43,092,483, plus strand): 5'-AAAAACATTTTCTCTAATGTTATTACGGCTAATTGTGCTCACTGTACTTGGAATGTTCTC[A>C]TTTCCCATTTCTCTTTCAGGTGACATTGAATGTTCCTCAAAGTTTTCCTCTAGCAGATTT-3'
Protein context (NP_009225.1, residues 1006-1026): HSMSPEREMG[Asn1016Lys]ENIPSTVSTI

ClinVar aggregate classification (germline): Conflicting classifications of pathogenicity. Review status: criteria provided, conflicting classifications (1 of 4 stars). 10 submissions from 10 submitters: Uncertain significance (6); Likely benign (2). 2 of the submissions do not count toward it. Last evaluated 2024-08-13.

Conditions:
BRCA1-related cancer predisposition. Identifiers: MedGen CN377757, MONDO:0700268.
Hereditary cancer-predisposing syndrome. Also called: Hereditary Cancer Syndrome; Neoplastic Syndromes, Hereditary; Hereditary neoplastic syndrome; Tumor predisposition. Identifiers: Orphanet 140162, MedGen C0027672, MeSH D009386, MONDO:0015356.
Hereditary breast ovarian cancer syndrome. Also called: Hereditary breast and ovarian cancer syndrome (HBOC); Breast and ovarian cancer; Hereditary breast and ovarian cancer syndrome; Hereditary breast and ovarian cancer; BRCA1- and BRCA2-Associated Hereditary Breast and Ovarian Cancer; Hereditary breast and/or ovarian cancer syndrome. Identifiers: Orphanet 145, MedGen C0677776, MeSH D061325, MONDO:0003582. Disease mechanism: loss of function.
Breast-ovarian cancer, familial, susceptibility to, 1 (BROVCA1). Also called: BRCA1 Hereditary Breast and Ovarian Cancer; OVARIAN CANCER, SUSCEPTIBILITY TO. Identifiers: Orphanet 145, MedGen C2676676, MONDO:0011450, OMIM 604370. Disease mechanism: loss of function.

Submissions (10):

All of Us Research Program, National Institutes of Health
Classification: Uncertain significance for BRCA1-related cancer predisposition. Last evaluated: 2024-08-13. Review status: criteria provided, single submitter. Criteria: ACMG Guidelines, 2015. Collection method: clinical testing. Allele origin: germline. Inheritance: Autosomal dominant inheritance. Observed: 1 variant allele, 1 heterozygote.
Comment: This missense variant replaces asparagine with lysine at codon 1016 of the BRCA1 protein. Computational prediction suggests that this variant may not impact protein structure and function. To our knowledge, functional studies have not been reported for this variant. This variant has not been reported in individuals affected with BRCA1-related disorders in the literature. This variant has not been identified in the general population by the Genome Aggregation Database (gnomAD). The available evidence is insufficient to determine the role of this variant in disease conclusively. Therefore, this variant is classified as a Variant of Uncertain Significance.

This study involves interpretation of variants in research participants for the purpose of population health screening. Participant phenotype was not available at the time of variant classification. Additional details can be found in publication PMID: 35346344, PMCID: PMC8962531

Color Diagnostics, LLC DBA Color Health
Classification: Uncertain significance for Hereditary cancer-predisposing syndrome. Last evaluated: 2024-07-24. Review status: criteria provided, single submitter. Criteria: ACMG Guidelines, 2015. Collection method: clinical testing. Allele origin: germline.
Comment: This missense variant replaces asparagine with lysine at codon 1016 of the BRCA1 protein. Computational prediction suggests that this variant may not impact protein structure and function. To our knowledge, functional studies have not been reported for this variant. This variant has not been reported in individuals affected with BRCA1-related disorders in the literature. This variant has not been identified in the general population by the Genome Aggregation Database (gnomAD). The available evidence is insufficient to determine the role of this variant in disease conclusively. Therefore, this variant is classified as a Variant of Uncertain Significance.

Myriad Genetics, Inc.
Classification: Likely benign for Breast-ovarian cancer, familial, susceptibility to, 1. Last evaluated: 2024-05-09. Review status: criteria provided, single submitter. Criteria: Myriad Autosomal Dominant, Autosomal Recessive and X-Linked Classification Criteria (2023). Collection method: clinical testing. Allele origin: unknown.
Comment: This variant is considered likely benign. This variant is strongly associated with less severe personal and family histories of cancer, typical for individuals without pathogenic variants in this gene [PMID: 25085752].

Quest Diagnostics Nichols Institute San Juan Capistrano
Classification: Uncertain significance. Last evaluated: 2024-04-10. Review status: criteria provided, single submitter. Criteria: Quest Diagnostics criteria. Collection method: clinical testing. Allele origin: unknown.
Comment: The BRCA1 c.3048T>G (p.Asn1016Lys) variant has been reported in the published literature to be located in a region of the BRCA1 gene that is tolerant to missense sequence changes (PMID: 31911673 (2020)) and predicted to have a neutral functional impact (PMID: 32377563 (2020)). This variant has not been reported in large, multi-ethnic general populations (Genome Aggregation Database). Analysis of this variant using bioinformatics tools for the prediction of the effect of amino acid changes on protein structure and function yielded predictions that this variant is benign. Based on the available information, we are unable to determine the clinical significance of this variant.

Ambry Genetics
Classification: Uncertain significance for Hereditary cancer-predisposing syndrome. Last evaluated: 2024-03-15. Review status: criteria provided, single submitter. Criteria: Ambry Variant Classification Scheme 2023. Collection method: clinical testing. Allele origin: germline.
Comment: The p.N1016K variant (also known as c.3048T>G), located in coding exon 9 of the BRCA1 gene, results from a T to G substitution at nucleotide position 3048. The asparagine at codon 1016 is replaced by lysine, an amino acid with similar properties. This amino acid position is not well conserved in available vertebrate species. In addition, this alteration is predicted to be tolerated by in silico analysis. Since supporting evidence is limited at this time, the clinical significance of this alteration remains unclear.

University of Washington Department of Laboratory Medicine, University of Washington
Classification: Likely benign for Hereditary cancer-predisposing syndrome. Last evaluated: 2023-03-23. Review status: criteria provided, single submitter. Criteria: Dines et al. (Genet Med. 2020). Collection method: curation. Allele origin: germline.
Comment: Missense variant in a coldspot region where missense variants are very unlikely to be pathogenic (PMID:31911673).

BRCA1 coldspot (exon 11 using historical exon numbering). Reclassification based on statistical prior probability

Labcorp Genetics (formerly Invitae), Labcorp
Classification: Uncertain significance for Hereditary breast ovarian cancer syndrome. Last evaluated: 2022-09-20. Review status: criteria provided, single submitter. Criteria: Invitae Variant Classification Sherloc (09022015). Collection method: clinical testing. Allele origin: germline.
Comment: This sequence change replaces asparagine, which is neutral and polar, with lysine, which is basic and polar, at codon 1016 of the BRCA1 protein (p.Asn1016Lys). This variant is not present in population databases (gnomAD no frequency). This variant has not been reported in the literature in individuals affected with BRCA1-related conditions. ClinVar contains an entry for this variant (Variation ID: 252871). Advanced modeling of protein sequence and biophysical properties (such as structural, functional, and spatial information, amino acid conservation, physicochemical variation, residue mobility, and thermodynamic stability) performed at Invitae indicates that this missense variant is not expected to disrupt BRCA1 protein function. In summary, the available evidence is currently insufficient to determine the role of this variant in disease. Therefore, it has been classified as a Variant of Uncertain Significance.

St. Jude Molecular Pathology, St. Jude Children's Research Hospital
Classification: Uncertain significance for Hereditary breast ovarian cancer syndrome. Last evaluated: 2021-06-24. Review status: criteria provided, single submitter. Criteria: St. Jude Assertion Criteria 2020. Collection method: clinical testing. Allele origin: germline.
Comment: The BRCA1 c.3048T>G (p.Asn1016Lys) missense change is absent in gnomAD v2.1.1 (PM2_Supporting ). Five of seven in silico tools predict a benign effect of this variant on protein function (BP4), but to our knowledge these predictions have not been confirmed by functional studies. This variant is absent in the FLOSSIES database which contains genetic variants from women older than 70 years of age who have never had cancer. In summary, this variant meets criteria to be classified as of uncertain significance based on the ACMG/AMP criteria: PM2_Supporting, BP4.

Counsyl
Classification: Uncertain significance for Breast-ovarian cancer, familial, susceptibility to, 1. Last evaluated: 2017-06-19. Review status: no assertion criteria provided. Collection method: clinical testing. Allele origin: unknown. Not counted in ClinVar's aggregate classification.

Sharing Clinical Reports Project (SCRP)
Classification: Uncertain significance for Breast-ovarian cancer, familial 1. Last evaluated: 2012-12-05. Review status: no assertion criteria provided. Collection method: clinical testing. Allele origin: germline. Not counted in ClinVar's aggregate classification.

Literature cited by the submitters: PubMed 25085752 (cited by Myriad Genetics, Inc.); PubMed 31911673 (cited by Quest Diagnostics Nichols Institute San Juan Capistrano); PubMed 32377563 (cited by Quest Diagnostics Nichols Institute San Juan Capistrano).